The following is an entry in ClinVar:

ClinVar aggregate classification (germline): Conflicting classifications of pathogenicity. Review status: criteria provided, conflicting classifications (1 of 4 stars). 2 submissions from 2 submitters: Likely pathogenic (1); Uncertain significance (1). Last evaluated 2024-02-07.

Conditions:
Developmental and epileptic encephalopathy, 9 (DEE9). Also called: EPILEPSY, FEMALE-RESTRICTED, WITH MENTAL RETARDATION; JUBERG-HELLMAN SYNDROME; PCDH19-Related X-Linked Female-Limited Epilepsy with Mental Retardation; Early infantile epileptic encephalopathy 9. Identifiers: Orphanet 101039, Orphanet 2076, MedGen C1848137, MONDO:0010246, OMIM 300088. Disease mechanism: loss of function.

Submissions (2):

GeneDx
Classification: Likely pathogenic. Last evaluated: 2024-02-07. Review status: criteria provided, single submitter. Criteria: GeneDx Variant Classification Process June 2021. Collection method: clinical testing. Allele origin: germline. Affected: yes.
Comment: (PMID: 28199897); Missense variants in this gene are a common cause of disease and they are underrepresented in the general population; Not observed at significant frequency in large population cohorts (gnomAD); In silico analysis supports that this missense variant has a deleterious effect on protein structure/function; This variant is associated with the following publications: (PMID: 28199897)

New York Genome Center
Classification: Uncertain significance for Developmental and epileptic encephalopathy, 9. Last evaluated: 2020-04-18. Review status: criteria provided, single submitter. Criteria: NYGC Assertion Criteria 2020. Collection method: clinical testing. Allele origin: inherited. Observed: 1 heterozygote. Study: CSER-NYCKidSeq.
Comment: The variant was also detected in her three unaffected relatives; father, paternal aunt and grandmother [PMID: 28199897]. A different missense variant (p.Cys99Ser) affecting the same Cys99 has been reported in the ClinVar [variation ID:421597]. The p.Cys99Tyr variant is absent from gnomAD database indicating that its an extremely rare allele in general population. The affected cystine residue is located in one of the six cadherin repeats [PMID: 30582250], is evolutionarily conserved, and predicted deleterious by multiple in silico prediction tools. However, due to the lack of functional studies, presence of p.Cys99Tyr in at least two asymptomatic females [PMID: 28199897], and detection of the variant in this individual’s asymptomatic mother, the p.Cys99Tyr variant in PCDH19 is assessed as a variant of uncertain significance.

NM_001184880.2(PCDH19):c.296G>A (p.Cys99Tyr)

Gene: PCDH19 (protocadherin 19; minus strand). Cytogenetic location: Xq22.1.
Variant type: single nucleotide variant.
Coding change: c.296G>A on transcript NM_001184880.2 (MANE Select); coding-DNA position 296, G replaced by A.
Protein change: p.Cys99Tyr; replaces cysteine 99 with tyrosine.
Molecular consequence: missense variant.
Genome position (GRCh38, 1-based): chrX:100,408,302, C>T on the plus strand (G>A on the coding strand, the complement: PCDH19 is on the minus strand). VCF-style: chrX-100408302-C-T. GRCh37 (hg19) VCF-style: chrX-99663300-C-T.
Other names: c.296G>A, p.Cys99Tyr (NM_001105243.2, NM_020766.3); short protein forms C99Y.
Identifiers: ClinVar variation 1325570 (VCV001325570.2), dbSNP rs2147542235, ClinGen allele CA414010805.